The following is an entry in ClinVar:

ClinVar aggregate classification (germline): Uncertain significance. Review status: criteria provided, single submitter (1 of 4 stars). 2 submissions from 2 submitters: Uncertain significance (1). 1 of the submissions does not count toward it. Last evaluated 2025-01-19.

Conditions:
Alport syndrome. Also called: Hemorrhagic familial nephritis; Hemorrhagic hereditary nephritis; Congenital hereditary hematuria. Identifiers: Orphanet 63, MedGen C1567741, MONDO:0018965.

Submissions (2):

Labcorp Genetics (formerly Invitae), Labcorp
Classification: Uncertain significance. Last evaluated: 2025-01-19. Review status: criteria provided, single submitter. Criteria: Invitae Variant Classification Sherloc (09022015). Collection method: clinical testing. Allele origin: germline.
Comment: This sequence change falls in intron 4 of the COL4A5 gene. It does not directly change the encoded amino acid sequence of the COL4A5 protein. It affects a nucleotide within the consensus splice site. This variant is not present in population databases (gnomAD no frequency). This variant has been observed in individual(s) with clinical features of COL4A5-related conditions (internal data). ClinVar contains an entry for this variant (Variation ID: 988116). Variants that disrupt the consensus splice site are a relatively common cause of aberrant splicing (PMID: 17576681, 9536098). Algorithms developed to predict the effect of sequence changes on RNA splicing suggest that this variant may disrupt the consensus splice site. In summary, the available evidence is currently insufficient to determine the role of this variant in disease. Therefore, it has been classified as a Variant of Uncertain Significance.

Sydney Genome Diagnostics, Children's Hospital Westmead
Classification: Likely pathogenic for Alport syndrome. Last evaluated: 2018-08-27. Review status: no assertion criteria provided. Collection method: clinical testing. Allele origin: unknown. Affected: yes. Observed: 1 variant allele, 1 heterozygote. Not counted in ClinVar's aggregate classification.
Comment: The variant has not been reported in any population databases (i.e. ExAC browser, ESP or dbSNP). To our knowledge, this variant has not been reported as being associated with disease in the literature or any other databases. In silico analysis (Alamut Visual v2.7.2) predicts that this variant abolishes the consensus splice donor site at c.276, resulting in the skipping of exon 4, and is likely to be pathogenic.

Literature cited by the submitters: PubMed 17576681 (cited by Labcorp Genetics (formerly Invitae), Labcorp); PubMed 9536098 (cited by Labcorp Genetics (formerly Invitae), Labcorp).

NM_033380.3(COL4A5):c.276+2dup

Gene: COL4A5 (collagen type IV alpha 5 chain; plus strand). Cytogenetic location: Xq22.3.
Variant type: Duplication.
Coding change: c.276+2dup on transcript NM_033380.3 (MANE Select); the canonical splice donor site of the intron after coding-DNA position 276, one base duplicated (T; older notation c.276+2dupT).
Molecular consequence: splice donor variant.
Genome position (GRCh38, 1-based): chrX:108,563,928, T duplicated. VCF-style (leftmost placement, unchanged base first): chrX-108563927-G-GT. GRCh37 (hg19) VCF-style: chrX-107807157-G-GT.
Other names: c.276+2dup (NM_000495.5).
Identifiers: ClinVar variation 988116 (VCV000988116.3), dbSNP rs2065934135, ClinGen allele CA2450677747.